The following is an entry in ClinVar:

ClinVar aggregate classification (germline): Pathogenic. Review status: criteria provided, multiple submitters, no conflicts (2 of 4 stars). 4 submissions from 4 submitters: Pathogenic (3). 1 of the submissions does not count toward it. Last evaluated 2025-12-01.

Conditions:
Immunodeficiency-centromeric instability-facial anomalies syndrome 2 (ICF2). Identifiers: Orphanet 2268, MedGen C3279748, MONDO:0013553, OMIM 614069.

Allele frequency attached by ClinVar (database versions not stated): gnomAD exomes below 0.00001 and 0.00003; gnomAD 0.00002; ESP Exome Variant Server 0.00008; ExAC 0.00001; TOPMed 0.00002.
gnomAD v4.1: 40 of 1,614,074 alleles (0.0025%); highest among the groups gnomAD compares: Non-Finnish European, 0.0033%; no homozygotes.

Submissions (4):

Labcorp Genetics (formerly Invitae), Labcorp
Classification: Pathogenic for Immunodeficiency-centromeric instability-facial anomalies syndrome 2. Last evaluated: 2025-12-01. Review status: criteria provided, single submitter. Criteria: Invitae Variant Classification Sherloc (09022015). Collection method: clinical testing. Allele origin: germline.
Comment: This sequence change creates a premature translational stop signal (p.Ser16*) in the ZBTB24 gene. It is expected to result in an absent or disrupted protein product. Loss-of-function variants in ZBTB24 are known to be pathogenic (PMID: 21596365). This variant is present in population databases (rs370370334, gnomAD 0.002%). This premature translational stop signal has been observed in individual(s) with immunodeficiency-centromeric instability-facial anomalies syndrome (PMID: 21596365). ClinVar contains an entry for this variant (Variation ID: 598541). For these reasons, this variant has been classified as Pathogenic.

Baylor Genetics
Classification: Pathogenic for Immunodeficiency-centromeric instability-facial anomalies syndrome 2. Last evaluated: 2022-03-18. Review status: criteria provided, single submitter. Criteria: ACMG Guidelines, 2015. Collection method: clinical testing. Allele origin: unknown.

Eurofins Ntd Llc (ga)
Classification: Pathogenic. Last evaluated: 2018-08-29. Review status: criteria provided, single submitter. Criteria: EGL ClinVar v180209 classification definitions. Collection method: clinical testing. Allele origin: germline. Observed: 1 variant allele, 1 heterozygote.

OMIM
Classification: Pathogenic for IMMUNODEFICIENCY-CENTROMERIC INSTABILITY-FACIAL ANOMALIES SYNDROME 2. Last evaluated: 2011-06-10. Review status: no assertion criteria provided. Collection method: literature only. Allele origin: germline. Not counted in ClinVar's aggregate classification.

Literature cited by the submitters: PubMed 21596365 (cited by 3 submitters).

NM_014797.3(ZBTB24):c.47C>G (p.Ser16Ter)

Gene: ZBTB24 (zinc finger and BTB domain containing 24; minus strand). Cytogenetic location: 6q21.
Variant type: single nucleotide variant.
Coding change: c.47C>G on transcript NM_014797.3 (MANE Select); coding-DNA position 47, C replaced by G.
Protein change: p.Ser16Ter; replaces serine 16 with a stop codon.
Molecular consequence: nonsense.
Genome position (GRCh38, 1-based): chr6:109,481,980, G>C on the plus strand (C>G on the coding strand, the complement: ZBTB24 is on the minus strand). VCF-style: chr6-109481980-G-C. GRCh37 (hg19) VCF-style: chr6-109803183-G-C.
Other names: c.47C>G, p.Ser16Ter (NM_001164313.2); short protein forms S16*.
Identifiers: ClinVar variation 598541 (VCV000598541.9), dbSNP rs370370334, ClinGen allele CA3954406.
Genomic context (GRCh38, chr6:109,481,980, plus strand): 5'-AGGAAGCCTTTCTTCCTCTGATCCTCAAAACTGGCCAGCACAGTGTCACTGTGAGCGTCT[G>C]AGTGTACAACAAGCTGCCCAGAAGGCTCTGGCGATGTTTCTGCCATTTTCTTCAGAAGCC-3'